The following is an entry in ClinVar:

ClinVar aggregate classification (germline): Likely benign (0 of 4 stars; one submission).

Conditions:
FOCAD-related disorder. Also called: FOCAD-related condition.

Allele frequency attached by ClinVar (database versions not stated): TOPMed 0.00002; gnomAD 0.00003; gnomAD exomes 0.00005; ExAC 0.00015.

Submission:

PreventionGenetics, part of Exact Sciences
Classification: Likely benign for FOCAD-related condition. Last evaluated: 2024-08-07. Review status: no assertion criteria provided. Collection method: clinical testing. Allele origin: germline.
Comment: This variant is classified as likely benign based on ACMG/AMP sequence variant interpretation guidelines (Richards et al. 2015 PMID: 25741868, with internal and published modifications).

NM_001375567.1(FOCAD):c.142T>C (p.Leu48=)

Gene: FOCAD (focadhesin; plus strand). Cytogenetic location: 9p21.3.
Variant type: single nucleotide variant.
Coding change: c.142T>C on transcript NM_001375567.1 (MANE Select); coding-DNA position 142, T replaced by C.
Protein change: p.Leu48=; no amino-acid change (leucine 48 retained).
Molecular consequence: synonymous variant.
Genome position (GRCh38, 1-based): chr9:20,720,389, T>C. VCF-style: chr9-20720389-T-C. GRCh37 (hg19) VCF-style: chr9-20720388-T-C.
Other names: c.142T>C, p.Leu48= (NM_001375568.1, NM_001375570.1, NM_017794.5).
Identifiers: ClinVar variation 3044566 (VCV003044566.2), dbSNP rs775374663, ClinGen allele CA5006244.